The following is an entry in ClinVar:

NM_005045.4(RELN):c.7655T>C (p.Leu2552Pro)

Gene: RELN (reelin; minus strand). Cytogenetic location: 7q22.1.
Variant type: single nucleotide variant.
Coding change: c.7655T>C on transcript NM_005045.4 (MANE Select); coding-DNA position 7655, T replaced by C.
Protein change: p.Leu2552Pro; replaces leucine 2552 with proline.
Molecular consequence: missense variant.
Genome position (GRCh38, 1-based): chr7:103,522,035, A>G on the plus strand (T>C on the coding strand, the complement: RELN is on the minus strand). VCF-style: chr7-103522035-A-G. GRCh37 (hg19) VCF-style: chr7-103162482-A-G.
Other names: c.7655T>C, p.Leu2552Pro (NM_173054.3); short protein forms L2552P.
Identifiers: ClinVar variation 4071623 (VCV004071623.2).
Genomic context (GRCh38, chr7:103,522,035, plus strand): 5'-GGAACTTAAGAAGAGCAGAAATGAGTAACCAGCAGCCAAACACTCACCCCACTGAAATGG[A>G]GAGCCATTCCCGACGCCACGGCTCCACACACTGTACTCAATTTCCCTCCGTTCACAGTCA-3'
Protein context (NP_005036.2, residues 2542-2562): VCGAVASGMA[Leu2552Pro]HFSGGCSRLL

ClinVar aggregate classification (germline): Uncertain significance (1 of 4 stars; one submission).

Submission:

GeneDx
Classification: Uncertain significance. Last evaluated: 2025-12-20. Review status: criteria provided, single submitter. Criteria: GeneDx Variant Classification Process June 2021. Collection method: clinical testing. Allele origin: germline.
Comment: Not observed at significant frequency in large population cohorts (gnomAD); In silico analysis supports that this missense variant has a deleterious effect on protein structure/function; This variant is associated with the following publications: (PMID: 35769015)